The following is an entry in ClinVar:

NM_006059.4(LAMC3):c.2593+1G>A

Gene: LAMC3 (laminin subunit gamma 3; plus strand). Cytogenetic location: 9q34.12.
Variant type: single nucleotide variant.
Coding change: c.2593+1G>A on transcript NM_006059.4 (MANE Select); the canonical splice donor site of the intron after coding-DNA position 2593, G replaced by A.
Molecular consequence: splice donor variant.
Genome position (GRCh38, 1-based): chr9:131,067,206, G>A. VCF-style: chr9-131067206-G-A. GRCh37 (hg19) VCF-style: chr9-133942593-G-A.
Other names: c.2593+1G>A (NM_006059.3).
Identifiers: ClinVar variation 1502050 (VCV001502050.8), dbSNP rs141896314, ClinGen allele CA5287482.

ClinVar aggregate classification (germline): Conflicting classifications of pathogenicity. Review status: criteria provided, conflicting classifications (1 of 4 stars). 3 submissions from 3 submitters: Likely pathogenic (2); Uncertain significance (1). Last evaluated 2025-11-26.

Conditions:
Occipital pachygyria and polymicrogyria. Identifiers: Orphanet 280640, MedGen C3279875, MONDO:0013583, OMIM 614115.
Inborn genetic diseases. Identifiers: MedGen C0950123, MeSH D030342.

Allele frequency attached by ClinVar (database versions not stated): TOPMed 0.00002; gnomAD 0.00004; gnomAD exomes 0.00004; ExAC 0.00006; ESP Exome Variant Server 0.00015.
gnomAD v4.1: 55 of 1,612,934 alleles (0.0034%); highest among the groups gnomAD compares: East Asian, 0.013%; no homozygotes.

Submissions (3):

Women's Health and Genetics/Laboratory Corporation of America, LabCorp
Classification: Likely pathogenic for Occipital pachygyria and polymicrogyria. Last evaluated: 2025-11-26. Review status: criteria provided, single submitter. Criteria: LabCorp Variant Classification Summary - May 2015. Collection method: clinical testing. Allele origin: germline.
Comment: Variant summary: LAMC3 c.2593+1G>A is located in a canonical splice-site and is predicted to affect mRNA splicing resulting in a significantly altered protein due to either exon skipping, shortening, or inclusion of intronic material. Variants that disrupt the consensus splice site are a relatively common cause of aberrant splicing and loss of LAMC3 function. Several computational tools predict a significant impact on normal splicing: Three predict the variant abolishes the canonical 5' splicing donor site. One predict the variant creates a cryptic 5' donor site. One predict the variant no significant impact on splicing. However, these predictions have yet to be confirmed by functional studies. c.2593+2T>A has been evaluated Likely Pathogenic in ClinVar. The variant allele was found at a frequency of 4.4e-05 in 250478 control chromosomes. This frequency is not significantly higher than estimated for disease-causing variants in LAMC3, allowing no conclusion about variant significance. c.2593+1G>A has not been observed in individual(s) affected with Occipital Pachygyria And Polymicrogyria. To our knowledge, no experimental evidence demonstrating an impact on protein function has been reported. The following publication has been ascertained in the context of this evaluation (PMID: 23160955). ClinVar contains an entry for this variant (Variation ID: 1502050). Based on the evidence outlined above, the variant was classified as likely pathogenic.

Ambry Genetics
Classification: Uncertain significance for Inborn genetic diseases. Last evaluated: 2025-03-07. Review status: criteria provided, single submitter. Criteria: Ambry Variant Classification Scheme 2023. Collection method: clinical testing. Allele origin: germline.
Comment: Resulting transcript is predicted to be in-frame and is not expected to trigger nonsense-mediated mRNA decay Based on insufficient or conflicting evidence, the clinical significance of this alteration remains unclear.

Labcorp Genetics (formerly Invitae), Labcorp
Classification: Likely pathogenic. Last evaluated: 2024-02-24. Review status: criteria provided, single submitter. Criteria: Invitae Variant Classification Sherloc (09022015). Collection method: clinical testing. Allele origin: germline.
Comment: This sequence change affects a donor splice site in intron 14 of the LAMC3 gene. It is expected to disrupt RNA splicing. Variants that disrupt the donor or acceptor splice site typically lead to a loss of protein function (PMID: 16199547), and loss-of-function variants in LAMC3 are known to be pathogenic (PMID: 21572413, 26802095). This variant is present in population databases (rs141896314, gnomAD 0.03%). This variant has not been reported in the literature in individuals affected with LAMC3-related conditions. ClinVar contains an entry for this variant (Variation ID: 1502050). Algorithms developed to predict the effect of sequence changes on RNA splicing suggest that this variant may disrupt the consensus splice site. In summary, the currently available evidence indicates that the variant is pathogenic, but additional data are needed to prove that conclusively. Therefore, this variant has been classified as Likely Pathogenic.

Literature cited by the submitters: PubMed 23160955 (cited by Women's Health and Genetics/Laboratory Corporation of America, LabCorp); PubMed 16199547 (cited by Labcorp Genetics (formerly Invitae), Labcorp); PubMed 21572413 (cited by Labcorp Genetics (formerly Invitae), Labcorp); PubMed 26802095 (cited by Labcorp Genetics (formerly Invitae), Labcorp).